The following is an entry in ClinVar:

NM_006033.4(LIPG):c.334A>G (p.Arg112Gly)

Gene: LIPG (lipase G, endothelial type; plus strand). Cytogenetic location: 18q21.1.
Variant type: single nucleotide variant.
Coding change: c.334A>G on transcript NM_006033.4 (MANE Select); coding-DNA position 334, A replaced by G.
Protein change: p.Arg112Gly; replaces arginine 112 with glycine.
Molecular consequence: missense variant.
Genome position (GRCh38, 1-based): chr18:49,567,496, A>G. VCF-style: chr18-49567496-A-G. GRCh37 (hg19) VCF-style: chr18-47093866-A-G.
Other names: c.334A>G, p.Arg112Gly (NM_001308006.2); c.334A>G (NM_006033.2); short protein forms R112G.
Identifiers: ClinVar variation 1988010 (VCV001988010.5), dbSNP rs201002261, ClinGen allele CA8959060.
Genomic context (GRCh38, chr18:49,567,496, plus strand): 5'-CTGCAGATGAGCGGTATCTTTGAAAACTGGCTGCACAAACTCGTGTCAGCCCTGCACACA[A>G]GAGAGAAAGACGCCAATGTAGTTGTGGTTGACTGGCTCCCCCTGGCCCACCAGCTTTACA-3'
Protein context (NP_006024.1, residues 102-122): LHKLVSALHT[Arg112Gly]EKDANVVVVD

ClinVar aggregate classification (germline): Uncertain significance. Review status: criteria provided, multiple submitters, no conflicts (2 of 4 stars). 2 submissions from 2 submitters: Uncertain significance (2). Last evaluated 2025-08-29.

Allele frequency attached by ClinVar (database versions not stated): TOPMed below 0.00001; ExAC 0.00001; gnomAD exomes 0.00004.

Submissions (2):

Ambry Genetics
Classification: Uncertain significance. Last evaluated: 2025-08-29. Review status: criteria provided, single submitter. Criteria: Ambry Variant Classification Scheme 2023. Collection method: clinical testing. Allele origin: germline.

Labcorp Genetics (formerly Invitae), Labcorp
Classification: Uncertain significance. Last evaluated: 2022-05-28. Review status: criteria provided, single submitter. Criteria: Invitae Variant Classification Sherloc (09022015). Collection method: clinical testing. Allele origin: germline.
Comment: In summary, the available evidence is currently insufficient to determine the role of this variant in disease. Therefore, it has been classified as a Variant of Uncertain Significance. Algorithms developed to predict the effect of missense changes on protein structure and function are either unavailable or do not agree on the potential impact of this missense change (SIFT: "Tolerated"; PolyPhen-2: "Possibly Damaging"; Align-GVGD: "Class C15"). This variant has not been reported in the literature in individuals affected with LIPG-related conditions. This variant is present in population databases (rs201002261, gnomAD 0.003%). This sequence change replaces arginine, which is basic and polar, with glycine, which is neutral and non-polar, at codon 112 of the LIPG protein (p.Arg112Gly).